The following is an entry in ClinVar:

NM_000282.4(PCCA):c.1181G>A (p.Trp394Ter)

Gene: PCCA (propionyl-CoA carboxylase subunit alpha; plus strand). Cytogenetic location: 13q32.3.
Variant type: single nucleotide variant.
Coding change: c.1181G>A on transcript NM_000282.4 (MANE Select); coding-DNA position 1181, G replaced by A.
Protein change: p.Trp394Ter; replaces tryptophan 394 with a stop codon.
Molecular consequence: nonsense. On other transcripts: non-coding transcript variant (5), intron variant (3).
Genome position (GRCh38, 1-based): chr13:100,301,575, G>A. VCF-style: chr13-100301575-G-A. GRCh37 (hg19) VCF-style: chr13-100953829-G-A.
Other names: c.1103G>A, p.Trp368Ter (NM_001127692.3, NM_001352607.2); c.1181G>A, p.Trp394Ter (NM_001178004.2, NM_001352605.2, NM_001352609.2); c.236G>A, p.Trp79Ter (NM_001352610.2, NM_001352611.2); c.1066-1349G>A (NM_001352606.2); c.121-1349G>A (NM_001352612.2); c.988-1349G>A (NM_001352608.2); short protein forms W79*, W368*, W394*.
Identifiers: ClinVar variation 935344 (VCV000935344.8), dbSNP rs1165198558, ClinGen allele CA388695339.

ClinVar aggregate classification (germline): Pathogenic (1 of 4 stars; one submission).

Conditions:
Propionic acidemia (PROP). Also called: GLYCINEMIA, KETOTIC; HYPERGLYCINEMIA WITH KETOACIDOSIS AND LEUKOPENIA; KETOTIC HYPERGLYCINEMIA. Identifiers: Orphanet 35, MedGen C0268579, MONDO:0011628, OMIM 606054, HP:0003571.

Allele frequency attached by ClinVar (database versions not stated): gnomAD 0.00001.

Submission:

Labcorp Genetics (formerly Invitae), Labcorp
Classification: Pathogenic for Propionic acidemia. Last evaluated: 2024-11-11. Review status: criteria provided, single submitter. Criteria: Invitae Variant Classification Sherloc (09022015). Collection method: clinical testing. Allele origin: germline.
Comment: This sequence change creates a premature translational stop signal (p.Trp394*) in the PCCA gene. It is expected to result in an absent or disrupted protein product. Loss-of-function variants in PCCA are known to be pathogenic (PMID: 15464417). This variant is present in population databases (no rsID available, gnomAD 0.01%). This variant has not been reported in the literature in individuals affected with PCCA-related conditions. ClinVar contains an entry for this variant (Variation ID: 935344). Algorithms developed to predict the effect of sequence changes on RNA splicing suggest that this variant may disrupt the consensus splice site. For these reasons, this variant has been classified as Pathogenic.

Literature cited by the submitters: PubMed 15464417.